The following is an entry in ClinVar:

NM_001165963.4(SCN1A):c.1843G>A (p.Gly615Arg)

Gene: SCN1A (sodium voltage-gated channel alpha subunit 1; minus strand). Cytogenetic location: 2q24.3.
Variant type: single nucleotide variant.
Coding change: c.1843G>A on transcript NM_001165963.4 (MANE Select); coding-DNA position 1843, G replaced by A.
Protein change: p.Gly615Arg; replaces glycine 615 with arginine.
Molecular consequence: missense variant. On other transcripts: non-coding transcript variant (1), 5 prime UTR variant (1).
Genome position (GRCh38, 1-based): chr2:166,043,869, C>T on the plus strand (G>A on the coding strand, the complement: SCN1A is on the minus strand). VCF-style: chr2-166043869-C-T. GRCh37 (hg19) VCF-style: chr2-166900379-C-T.
Other names: c.1843G>A, p.Gly615Arg (NM_001353958.2, NM_006920.6, NM_001165964.3 and 7 more transcripts); c.1840G>A, p.Gly614Arg (NM_001353960.2, NM_001353954.2, NM_001353955.2); c.-583G>A (NM_001353961.2); c.1843G>A (NM_001202435.2); short protein forms G614R, G615R.
Identifiers: ClinVar variation 2637204 (VCV002637204.7), dbSNP rs1271824691, ClinGen allele CA349067476.

ClinVar aggregate classification (germline): Conflicting classifications of pathogenicity. Review status: criteria provided, conflicting classifications (1 of 4 stars). 3 submissions from 3 submitters: Uncertain significance (1); Likely benign (1). 1 of the submissions does not count toward it. Last evaluated 2025-07-09.

Conditions:
Migraine, familial hemiplegic, 3. Identifiers: Orphanet 569, MedGen C1864987, MONDO:0012320, OMIM 609634.
Developmental and epileptic encephalopathy 6B. Also called: Developmental and epileptic encephalopathy 6B, non-Dravet. Identifiers: MedGen C5543353, MONDO:0030268, OMIM 619317.
Generalized epilepsy with febrile seizures plus, type 2 (GEFSP2). Also called: GEFS+, TYPE 2. Identifiers: Orphanet 36387, MedGen C1858673, MONDO:0011461, OMIM 604403.
Severe myoclonic epilepsy in infancy (DRVT). Also called: DEVELOPMENTAL AND EPILEPTIC ENCEPHALOPATHY 6A; Dravet syndrome; Epileptic encephalopathy, early infantile, 6 (Dravet syndrome); Severe Myoclonic Epilepsy in Infancy (SMEI); SEVERE MYOCLONIC EPILEPSY OF INFANCY. Identifiers: Orphanet 33069, MedGen C0751122, MONDO:0100135, OMIM 607208.
SCN1A-related disorder. Also called: SCN1A-related conditions; SCN1A-related condition; SCN1A-related disorders.
Early-infantile DEE. Also called: Early infantile epileptic encephalopathy; Ohtahara syndrome; Early infantile epileptic encephalopathy with suppression bursts. Identifiers: Orphanet 1934, MedGen C0393706, MONDO:0800491.

Allele frequency attached by ClinVar (database versions not stated): gnomAD exomes 0.00001.
gnomAD v4.1: 14 of 1,614,172 alleles (0.00087%); highest among the groups gnomAD compares: South Asian, 0.0033%; no homozygotes.

Submissions (3):

Labcorp Genetics (formerly Invitae), Labcorp
Classification: Likely benign for Early-infantile DEE. Last evaluated: 2025-07-09. Review status: criteria provided, single submitter. Criteria: Invitae Variant Classification Sherloc (09022015). Collection method: clinical testing. Allele origin: germline.

Fulgent Genetics
Classification: Uncertain significance for Generalized epilepsy with febrile seizures plus, type 2; Severe myoclonic epilepsy in infancy; Migraine, familial hemiplegic, 3; Developmental and epileptic encephalopathy 6B. Last evaluated: 2024-02-07. Review status: criteria provided, single submitter. Criteria: ACMG Guidelines, 2015. Collection method: clinical testing. Allele origin: germline.

PreventionGenetics, part of Exact Sciences
Classification: Uncertain significance for SCN1A-related condition. Last evaluated: 2024-02-16. Review status: no assertion criteria provided. Collection method: clinical testing. Allele origin: germline. Not counted in ClinVar's aggregate classification.
Comment: The SCN1A c.1843G>A variant is predicted to result in the amino acid substitution p.Gly615Arg. This variant was reported in an individual with lacunar stroke (Tan et al. 2019. PubMed ID: 31719132). This variant is reported in 0.0054% of alleles in individuals of East Asian descent in gnomAD. At this time, the clinical significance of this variant is uncertain due to the absence of conclusive functional and genetic evidence.